The following is an entry in ClinVar:

ClinVar aggregate classification (germline): Conflicting classifications of pathogenicity. Review status: criteria provided, conflicting classifications (1 of 4 stars). 10 submissions from 10 submitters: Pathogenic (6); Likely pathogenic (2); Uncertain significance (2). Last evaluated 2026-01-31.

Conditions:
Glutaric acidemia type 2C.
ETFDH-related disorder. Also called: ETFDH-related condition.
Multiple acyl-CoA dehydrogenase deficiency (MADD). Also called: Glutaric Acidemia type 2; Glutaric acidemia type II; GA 2; ETHYLMALONIC-ADIPICACIDURIA; GA II; Glutaric aciduria, type 2. Identifiers: Orphanet 26791, MedGen C0268596, MONDO:0009282, OMIM 231680.

Allele frequency attached by ClinVar (database versions not stated): ExAC 0.00001; gnomAD exomes 0.00002; TOPMed 0.00003; gnomAD 0.00014 and 0.00015.
gnomAD v4.1: 57 of 1,613,938 alleles (0.0035%); highest among the groups gnomAD compares: Admixed American, 0.012%; no homozygotes.

Submissions (10):

Labcorp Genetics (formerly Invitae), Labcorp
Classification: Pathogenic for Multiple acyl-CoA dehydrogenase deficiency. Last evaluated: 2026-01-31. Review status: criteria provided, single submitter. Criteria: Invitae Variant Classification Sherloc (09022015). Collection method: clinical testing. Allele origin: germline.
Comment: This sequence change replaces aspartic acid, which is acidic and polar, with asparagine, which is neutral and polar, at codon 511 of the ETFDH protein (p.Asp511Asn). This variant is present in population databases (rs780768015, gnomAD 0.01%). This missense change has been observed in individual(s) with clinical features of multiple acyl-CoA dehydrogenase deficiency (PMID: 19758981, 21907580, 23628458, 31997039, 35309592). In at least one individual the data is consistent with being in trans (on the opposite chromosome) from a pathogenic variant. ClinVar contains an entry for this variant (Variation ID: 194057). Invitae Evidence Modeling of protein sequence and biophysical properties (such as structural, functional, and spatial information, amino acid conservation, physicochemical variation, residue mobility, and thermodynamic stability) indicates that this missense variant is not expected to disrupt ETFDH protein function with a negative predictive value of 80%. For these reasons, this variant has been classified as Pathogenic.

Natera, Inc.
Classification: Pathogenic for Glutaric acidemia type 2C. Last evaluated: 2025-09-23. Review status: criteria provided, single submitter. Criteria: Natera Variant Classification Schema (03/2026). Collection method: clinical testing. Allele origin: germline.
Comment: The c.1531G>A variant in ETFDH is a missense variant predicted to cause substitution of aspartic acid to asparagine at amino acid 511. This variant is rare in the general population with a frequency below the threshold expected for the associated phenotype(s). This variant has been observed in at least one unaffected individual, with a zygosity that is consistent with the inheritance pattern for the associated condition (in gnomAD and/or literature). This variant has been observed in one or more individuals affected with the associated recessive disease, as either homozygous or compound heterozygous with a second variant (PMID: 35309592, 21907580, 35734957, 24522293). This variant has been found together with another disease-causing variant in the same copy of the gene (PMID: 23628458). Computational prediction algorithms indicate this variant is likely to affect gene or protein function. Given the available evidence, this variant is classified as Pathogenic.

GeneDx
Classification: Pathogenic. Last evaluated: 2025-04-21. Review status: criteria provided, single submitter. Criteria: GeneDx Variant Classification Process June 2021. Collection method: clinical testing. Allele origin: germline. Affected: yes.
Comment: Not observed at significant frequency in large population cohorts (gnomAD); In silico analysis supports that this missense variant has a deleterious effect on protein structure/function; This variant is associated with the following publications: (PMID: 31785094, 24522293, 26403312, 21907580, 31997039, 19758981, 23628458, 35309592, 37510298, 28456887)

PreventionGenetics, part of Exact Sciences
Classification: Pathogenic for ETFDH-related condition. Last evaluated: 2025-01-06. Review status: criteria provided, single submitter. Criteria: ACMG Guidelines, 2015. Collection method: clinical testing. Allele origin: germline.
Comment: The ETFDH c.1531G>A variant is predicted to result in the amino acid substitution p.Asp511Asn. This variant has been reported in the homozygous state or with a second ETFDH variant in individuals with multiple acyl-CoA dehydrogenase deficiency (see, for example, Toscano et al. 2008. doi: 10.1016/j.nmd.2008.06.108; Wen et al. 2013. PubMed ID: 23628458; Invernizzi et al. 2023. PubMed ID: 37510298). This variant is reported in 0.014% of alleles in individuals of Latino descent in gnomAD. This variant is interpreted as pathogenic.

Blueprint Genetics
Classification: Uncertain significance. Last evaluated: 2024-07-04. Review status: criteria provided, single submitter. Criteria: ACMG Guidelines, 2015. Collection method: clinical testing. Allele origin: germline.

Baylor Genetics
Classification: Pathogenic for Multiple acyl-CoA dehydrogenase deficiency. Last evaluated: 2024-02-29. Review status: criteria provided, single submitter. Criteria: ACMG Guidelines, 2015. Collection method: clinical testing. Allele origin: unknown.

Fulgent Genetics
Classification: Likely pathogenic for Multiple acyl-CoA dehydrogenase deficiency. Last evaluated: 2024-01-06. Review status: criteria provided, single submitter. Criteria: ACMG Guidelines, 2015. Collection method: clinical testing. Allele origin: germline.

Women's Health and Genetics/Laboratory Corporation of America, LabCorp
Classification: Pathogenic for Multiple acyl-CoA dehydrogenase deficiency. Last evaluated: 2023-01-30. Review status: criteria provided, single submitter. Criteria: LabCorp Variant Classification Summary - May 2015. Collection method: clinical testing. Allele origin: germline.
Comment: Variant summary: ETFDH c.1531G>A (p.Asp511Asn) results in a conservative amino acid change in the encoded protein sequence. Four of five in-silico tools predict a damaging effect of the variant on protein function. The variant allele was found at a frequency of 2e-05 in 251428 control chromosomes. c.1531G>A has been reported in the literature in multiple individuals affected with Glutaric Aciduria, Type 2c (eg. Wen_2013, Maguolo_2020, Angelin_2017, Lupica_2022, Sugai_2011, etc). These data indicate that the variant is very likely to be associated with disease. Two clinical diagnostic laboratories have submitted clinical-significance assessments for this variant to ClinVar after 2014 without evidence for independent evaluation. All laboratories classified the variant as pathogenic/likely pathogenic. Based on the evidence outlined above, the variant was classified as pathogenic.

Illumina Laboratory Services, Illumina
Classification: Likely pathogenic for Multiple acyl-CoA dehydrogenase deficiency. Last evaluated: 2017-04-28. Review status: criteria provided, single submitter. Criteria: ICSL Variant Classification Criteria 09 May 2019. Collection method: clinical testing. Allele origin: germline.
Comment: The ETFDH c.1531G>A (p.Asp511Asn) missense variant has been reported in three studies and found in a compound heterozygous state in a total of five individuals with multiple acyl-CoA dehydrogenase deficiency (Sugai et al. 2012; Wen et al. 2013; Zhu et al. 2014). The p.Asp511Asn variant was absent from 200 control chromosomes. It is reported at a frequency of 0.00007 in the South Asian population of the Exome Aggregation Consortium but this is based on one allele in a region of good sequence coverage so the variant is presumed to be rare. Based on the evidence, the p.Asp511Asn variant is classified as likely pathogenic for multiple acyl-CoA dehydrogenase deficiency. This variant was observed by ICSL as part of a predisposition screen in an ostensibly healthy population.

Eurofins Ntd Llc (ga)
Classification: Uncertain significance. Last evaluated: 2014-12-10. Review status: criteria provided, single submitter. Criteria: EGL Classification Definitions 2015. Collection method: clinical testing. Allele origin: germline. Observed: 2 variant alleles, 2 heterozygotes.

Literature cited by the submitters: PubMed 19758981 (cited by Labcorp Genetics (formerly Invitae), Labcorp and Women's Health and Genetics/Laboratory Corporation of America, LabCorp); PubMed 21907580 (cited by 4 submitters); PubMed 23628458 (cited by 3 submitters); PubMed 31997039 (cited by Labcorp Genetics (formerly Invitae), Labcorp); PubMed 35309592 (cited by 3 submitters); PubMed 35734957 (cited by Natera, Inc.); PubMed 24522293 (cited by Natera, Inc. and Illumina Laboratory Services, Illumina); PubMed 32793418 (cited by Women's Health and Genetics/Laboratory Corporation of America, LabCorp); PubMed 28456887 (cited by Women's Health and Genetics/Laboratory Corporation of America, LabCorp).

NM_004453.4(ETFDH):c.1531G>A (p.Asp511Asn)

Gene: ETFDH (electron transfer flavoprotein dehydrogenase; plus strand). Cytogenetic location: 4q32.1.
Variant type: single nucleotide variant.
Coding change: c.1531G>A on transcript NM_004453.4 (MANE Select); coding-DNA position 1531, G replaced by A.
Protein change: p.Asp511Asn; replaces aspartic acid 511 with asparagine.
Molecular consequence: missense variant.
Genome position (GRCh38, 1-based): chr4:158,706,691, G>A. VCF-style: chr4-158706691-G-A. GRCh37 (hg19) VCF-style: chr4-159627843-G-A.
Other names: c.1531G>A (NM_004453.3); c.1390G>A, p.Asp464Asn (NM_001281737.2); c.1348G>A, p.Asp450Asn (NM_001281738.1); short protein forms D511N, D450N, D464N.
Identifiers: ClinVar variation 194057 (VCV000194057.25), dbSNP rs780768015, ClinGen allele CA239854.